The following is an entry in ClinVar:

NM_024656.4(COLGALT1):c.777C>T (p.Tyr259=)

Gene: COLGALT1 (collagen beta(1-O)galactosyltransferase 1; plus strand). Cytogenetic location: 19p13.11.
Variant type: single nucleotide variant.
Coding change: c.777C>T on transcript NM_024656.4 (MANE Select); coding-DNA position 777, C replaced by T.
Protein change: p.Tyr259=; no amino-acid change (tyrosine 259 retained).
Molecular consequence: synonymous variant.
Genome position (GRCh38, 1-based): chr19:17,568,661, C>T. VCF-style: chr19-17568661-C-T. GRCh37 (hg19) VCF-style: chr19-17679470-C-T.
Other names: c.777C>T (NM_024656.3).
Identifiers: ClinVar variation 2051033 (VCV002051033.6), dbSNP rs74585796, ClinGen allele CA9297037.
Genomic context (GRCh38, chr19:17,568,661, plus strand): 5'-GATCGACCTGCGGAAGGCGGCGTCCAGGAACCTGGCCTTCTACCCACCTCACCCTGACTA[C>T]ACCTGGTCCTTTGACGACATCATCGTCTTTGCCTTCTCCTGCAAGCAGGCAGGTACGTAC-3'
Protein context (NP_078932.2, residues 249-269): NLAFYPPHPD[Tyr259=]TWSFDDIIVF

ClinVar aggregate classification (germline): Benign. Review status: criteria provided, single submitter (1 of 4 stars). 2 submissions from 2 submitters: Benign (1). 1 of the submissions does not count toward it. Last evaluated 2025-12-17.

Conditions:
COLGALT1-related disorder. Also called: COLGALT1-related condition.

Allele frequency attached by ClinVar (database versions not stated): ExAC 0.00256; gnomAD 0.00843; 1000 Genomes Project 0.00938; TOPMed 0.00938; ESP Exome Variant Server 0.00946; 1000 Genomes Project 30x 0.00968.
gnomAD v4.1: 2,509 of 1,614,228 alleles (0.16%); highest among the groups gnomAD compares: African/African-American, 3%; 40 homozygotes.

Submissions (2):

Labcorp Genetics (formerly Invitae), Labcorp
Classification: Benign. Last evaluated: 2025-12-17. Review status: criteria provided, single submitter. Criteria: Invitae Variant Classification Sherloc (09022015). Collection method: clinical testing. Allele origin: germline.

PreventionGenetics, part of Exact Sciences
Classification: Benign for COLGALT1-related condition. Last evaluated: 2019-06-06. Review status: no assertion criteria provided. Collection method: clinical testing. Allele origin: germline. Not counted in ClinVar's aggregate classification.
Comment: This variant is classified as benign based on ACMG/AMP sequence variant interpretation guidelines (Richards et al. 2015 PMID: 25741868, with internal and published modifications).